The following is an entry in ClinVar:

ClinVar aggregate classification (germline): Uncertain significance. Review status: criteria provided, multiple submitters, no conflicts (2 of 4 stars). 2 submissions from 2 submitters: Uncertain significance (2). Last evaluated 2024-03-06.

Conditions:
Aortic aneurysm, familial thoracic 4 (AAT4). Also called: AORTIC ANEURYSM/AORTIC DISSECTION AND PATENT DUCTUS ARTERIOSUS. Identifiers: MedGen C1851504, MONDO:0007568, OMIM 132900.
Familial thoracic aortic aneurysm and aortic dissection (TAAD). Also called: Thoracic aortic aneurysms and dissections. Identifiers: Orphanet 91387, MedGen C4707243, MONDO:0019625.

Submissions (2):

Color Diagnostics, LLC DBA Color Health
Classification: Uncertain significance for Familial thoracic aortic aneurysm and aortic dissection. Last evaluated: 2024-03-06. Review status: criteria provided, single submitter. Criteria: ACMG Guidelines, 2015. Collection method: clinical testing. Allele origin: germline.
Comment: This missense variant replaces glutamine with proline at codon 1712 of the MYH11 protein. Computational prediction is inconclusive regarding the impact of this variant on protein structure and function (internally defined REVEL score threshold 0.5 < inconclusive < 0.7, PMID: 27666373). To our knowledge, functional studies have not been reported for this variant. This variant has not been reported in individuals affected with cardiovascular disorders in the literature. This variant has not been identified in the general population by the Genome Aggregation Database (gnomAD). The available evidence is insufficient to determine the role of this variant in disease conclusively. Therefore, this variant is classified as a Variant of Uncertain Significance.

Labcorp Genetics (formerly Invitae), Labcorp
Classification: Uncertain significance for Aortic aneurysm, familial thoracic 4. Last evaluated: 2019-07-22. Review status: criteria provided, single submitter. Criteria: Invitae Variant Classification Sherloc (09022015). Collection method: clinical testing. Allele origin: germline.
Comment: This sequence change replaces glutamine with proline at codon 1712 of the MYH11 protein (p.Gln1712Pro). The glutamine residue is highly conserved and there is a moderate physicochemical difference between glutamine and proline. In summary, the available evidence is currently insufficient to determine the role of this variant in disease. Therefore, it has been classified as a Variant of Uncertain Significance. Algorithms developed to predict the effect of missense changes on protein structure and function (SIFT, PolyPhen-2, Align-GVGD) all suggest that this variant is likely to be disruptive, but these predictions have not been confirmed by published functional studies and their clinical significance is uncertain. This variant has not been reported in the literature in individuals with MYH11-related conditions. This variant is not present in population databases (ExAC no frequency).

NM_002474.3(MYH11):c.5114A>C (p.Gln1705Pro)

Genes: MYH11 (myosin heavy chain 11; minus strand), NDE1 (nudE neurodevelopment protein 1; plus strand). Cytogenetic location: 16p13.11.
Variant type: single nucleotide variant.
Coding change: c.5114A>C on transcript NM_002474.3 (MANE Select); coding-DNA position 5114, A replaced by C.
Protein change: p.Gln1705Pro; replaces glutamine 1705 with proline.
Molecular consequence: missense variant. On other transcripts: intron variant (2).
Genome position (GRCh38, 1-based): chr16:15,719,277, T>G on the plus strand (A>C on the coding strand, the complement: MYH11 is on the minus strand). VCF-style: chr16-15719277-T-G. GRCh37 (hg19) VCF-style: chr16-15813134-T-G.
Other names: c.5135A>C, p.Gln1712Pro (NM_001040113.2, NM_001040114.2); c.5114A>C, p.Gln1705Pro (NM_022844.3); c.948-4914T>G (NM_001143979.2, NM_017668.3); short protein forms Q1705P, Q1712P.
Identifiers: ClinVar variation 949028 (VCV000949028.12), dbSNP rs2040338321, ClinGen allele CA394850891.